The following is an entry in ClinVar:

ClinVar aggregate classification (germline): Uncertain significance (1 of 4 stars; one submission).

Conditions:
Hereditary cancer-predisposing syndrome. Also called: Tumor predisposition; Neoplastic Syndromes, Hereditary; Hereditary Cancer Syndrome; Hereditary neoplastic syndrome. Identifiers: Orphanet 140162, MedGen C0027672, MeSH D009386, MONDO:0015356.

Submission:

Ambry Genetics
Classification: Uncertain significance for Hereditary cancer-predisposing syndrome. Last evaluated: 2021-10-22. Review status: criteria provided, single submitter. Criteria: Ambry Variant Classification Scheme 2023. Collection method: clinical testing. Allele origin: germline.
Comment: The p.E1047Q variant (also known as c.3139G>C), located in coding exon 15 of the APC gene, results from a G to C substitution at nucleotide position 3139. The glutamic acid at codon 1047 is replaced by glutamine, an amino acid with highly similar properties. This amino acid position is highly conserved in available vertebrate species. In addition, in silico predictors for this gene do not accurately predict pathogenicity. Since supporting evidence is limited at this time, the clinical significance of this alteration remains unclear.

NM_000038.6(APC):c.3139G>C (p.Glu1047Gln)

Gene: APC (APC regulator of Wnt signaling pathway; plus strand). Cytogenetic location: 5q22.2.
Variant type: single nucleotide variant.
Coding change: c.3139G>C on transcript NM_000038.6 (MANE Select); coding-DNA position 3139, G replaced by C.
Protein change: p.Glu1047Gln; replaces glutamic acid 1047 with glutamine.
Molecular consequence: missense variant.
Genome position (GRCh38, 1-based): chr5:112,838,733, G>C. VCF-style: chr5-112838733-G-C. GRCh37 (hg19) VCF-style: chr5-112174430-G-C.
Other names: c.3169G>C, p.Glu1057Gln (NM_001354897.2); c.3064G>C, p.Glu1022Gln (NM_001354898.2); c.3055G>C, p.Glu1019Gln (NM_001354899.2); c.3016G>C, p.Glu1006Gln (NM_001354900.2); c.2962G>C, p.Glu988Gln (NM_001354901.2, NM_001407453.1); c.2866G>C, p.Glu956Gln (NM_001354902.2); c.2836G>C, p.Glu946Gln (NM_001354903.2, NM_001407458.1, NM_001407459.1 and 1 more transcripts); c.2761G>C, p.Glu921Gln (NM_001354904.2); and 11 more; short protein forms E1019Q, E1022Q, E1029Q, E1040Q, E663Q, E946Q, E956Q, E1006Q.
Identifiers: ClinVar variation 1728053 (VCV001728053.2), dbSNP rs568149455, ClinGen allele CA16028213.
Genomic context (GRCh38, chr5:112,838,733, plus strand): 5'-TATAGTCTTAAATATTCAGATGAGCAGTTGAACTCTGGAAGGCAAAGTCCTTCACAGAAT[G>C]AAAGATGGGCAAGACCCAAACACATAATAGAAGATGAAATAAAACAAAGTGAGCAAAGAC-3'
Protein context (NP_000029.2, residues 1037-1057): NSGRQSPSQN[Glu1047Gln]RWARPKHIIE